The following is an entry in ClinVar:

ClinVar aggregate classification (germline): Pathogenic. Review status: criteria provided, single submitter (1 of 4 stars). 3 submissions from 3 submitters: Pathogenic (1). 2 of the submissions do not count toward it. Last evaluated 2025-11-16.

Conditions:
Primary pulmonary hypertension. Also called: Idiopathic pulmonary hypertension. Identifiers: MedGen C0152171.
Pulmonary hypertension, primary, 1 (PPH1). Also called: Pulmonary hypertension, familial primary, 1, with or without HHT. Identifiers: Orphanet 422, MedGen C4552070, MONDO:0024533, OMIM 178600.
Pulmonary arterial hypertension. Identifiers: Orphanet 182090, MedGen C2973725, MeSH D000081029, MONDO:0015924, HP:0002092.

Submissions (3):

Labcorp Genetics (formerly Invitae), Labcorp
Classification: Pathogenic for Primary pulmonary hypertension. Last evaluated: 2025-11-16. Review status: criteria provided, single submitter. Criteria: Invitae Variant Classification Sherloc (09022015). Collection method: clinical testing. Allele origin: germline.
Comment: This sequence change creates a premature translational stop signal (p.Leu287*) in the BMPR2 gene. It is expected to result in an absent or disrupted protein product. Loss-of-function variants in BMPR2 are known to be pathogenic (PMID: 16429395). This variant is not present in population databases (gnomAD no frequency). This premature translational stop signal has been observed in individual(s) with pulmonary arterial hypertension (PMID: 16429395). ClinVar contains an entry for this variant (Variation ID: 425837). For these reasons, this variant has been classified as Pathogenic.

NIHR Bioresource Rare Diseases, University of Cambridge
Classification: Pathogenic for Pulmonary arterial hypertension. Review status: no assertion criteria provided. Collection method: research. Allele origin: unknown. Affected: yes. Observed: 1 variant allele. Not counted in ClinVar's aggregate classification.

Rare Disease Genomics Group, St George's University of London
Classification: Pathogenic for Primary pulmonary hypertension. Review status: no assertion criteria provided. Collection method: literature only. Allele origin: germline. Affected: yes. Not counted in ClinVar's aggregate classification.

Literature cited by the submitters: PubMed 16429395 (cited by Labcorp Genetics (formerly Invitae), Labcorp and Rare Disease Genomics Group, St George's University of London); PubMed 32581362 (cited by NIHR Bioresource Rare Diseases, University of Cambridge); PubMed 26387786 (cited by Rare Disease Genomics Group, St George's University of London).

NM_001204.7(BMPR2):c.860T>A (p.Leu287Ter)

Gene: BMPR2 (bone morphogenetic protein receptor type 2; plus strand). Cytogenetic location: 2q33.2.
Variant type: single nucleotide variant.
Coding change: c.860T>A on transcript NM_001204.7 (MANE Select); coding-DNA position 860, T replaced by A.
Protein change: p.Leu287Ter; replaces leucine 287 with a stop codon.
Molecular consequence: nonsense.
Genome position (GRCh38, 1-based): chr2:202,520,094, T>A. VCF-style: chr2-202520094-T-A. GRCh37 (hg19) VCF-style: chr2-203384817-T-A.
Other names: c.860T>A, p.L287* (LRG_712t1); short protein forms L287*.
Identifiers: ClinVar variation 425837 (VCV000425837.4), dbSNP rs576091247, ClinGen allele CA350340688.
Genomic context (GRCh38, chr2:202,520,094, plus strand): 5'-TAAAGTGAGTTAATTCTACCTTTTTTTTTTTTCGCATTTTTTCCTCTATATAGGGATCTT[T>A]ATGCAAGTATTTAAGTCTCCACACAAGTGACTGGGTAAGCTCTTGCCGTCTTGCTCATTC-3'